The following is an entry in ClinVar:

ClinVar aggregate classification (germline): Pathogenic (1 of 4 stars; one submission).

Conditions:
Joubert syndrome 15 (JBTS15). Identifiers: Orphanet 475, MedGen C3280897, MONDO:0013763, OMIM 614464.

Submission:

Labcorp Genetics (formerly Invitae), Labcorp
Classification: Pathogenic for Joubert syndrome 15. Last evaluated: 2024-03-27. Review status: criteria provided, single submitter. Criteria: Invitae Variant Classification Sherloc (09022015). Collection method: clinical testing. Allele origin: germline.
Comment: This sequence change creates a premature translational stop signal (p.Tyr52*) in the CEP41 gene. It is expected to result in an absent or disrupted protein product. Loss-of-function variants in CEP41 are known to be pathogenic (PMID: 22246503). This variant is not present in population databases (gnomAD no frequency). This variant has not been reported in the literature in individuals affected with CEP41-related conditions. Algorithms developed to predict the effect of sequence changes on RNA splicing suggest that this variant may disrupt the consensus splice site. For these reasons, this variant has been classified as Pathogenic.

Literature cited by the submitters: PubMed 22246503.

NM_018718.3(CEP41):c.156del (p.Arg51_Tyr52insTer)

Gene: CEP41 (centrosomal protein 41; minus strand). Cytogenetic location: 7q32.2.
Variant type: Deletion.
Coding change: c.156del on transcript NM_018718.3 (MANE Select); coding-DNA position 156, one base deleted (C; older notation c.156delC).
Protein change: p.Arg51_Tyr52insTer.
Molecular consequence: nonsense. On other transcripts: non-coding transcript variant (1).
Genome position (GRCh38, 1-based): chr7:130,412,230, G deleted on the plus strand (C on the coding strand, the reverse complement: CEP41 is on the minus strand). VCF-style (leftmost placement, unchanged base first): chr7-130412229-TG-T. GRCh37 (hg19) VCF-style: chr7-130052070-TG-T.
Other names: c.156del, p.Arg51_Tyr52insTer (NM_001257158.2); c.108del, p.Arg35_Tyr36insTer (NM_001257159.2).
Identifiers: ClinVar variation 3708774 (VCV003708774.2).
Genomic context (GRCh38, chr7:130,412,229, plus strand): 5'-AGAAACTTACCAGCTGGGCAAAAGTTGTAACTTTTAGTCTCTTGAAAAGCTCATCTTTTT[TG>T]TATCTATAATCTGAAAAATATGGTAAGACAAGTATTTATCTATTTTGCTTTTTTAGAGCT-3'